The following is an entry in ClinVar:

NM_004577.4(PSPH):c.169C>T (p.Pro57Ser)

Gene: PSPH (phosphoserine phosphatase; minus strand). Cytogenetic location: 7p11.2.
Variant type: single nucleotide variant.
Coding change: c.169C>T on transcript NM_004577.4 (MANE Select); coding-DNA position 169, C replaced by T.
Protein change: p.Pro57Ser; replaces proline 57 with serine.
Molecular consequence: missense variant.
Genome position (GRCh38, 1-based): chr7:56,019,706, G>A on the plus strand (C>T on the coding strand, the complement: PSPH is on the minus strand). VCF-style: chr7-56019706-G-A. GRCh37 (hg19) VCF-style: chr7-56087399-G-A.
Other names: c.169C>T, p.Pro57Ser (NM_001370503.1, NM_001370504.1, NM_001370505.1 and 17 more transcripts); short protein forms P57S.
Identifiers: ClinVar variation 911509 (VCV000911509.11), dbSNP rs79321413, ClinGen allele CA4268748.

ClinVar aggregate classification (germline): Benign. Review status: criteria provided, multiple submitters, no conflicts (2 of 4 stars). 4 submissions from 4 submitters: Benign (2). 2 of the submissions do not count toward it. Last evaluated 2021-03-31.

Conditions:
Deficiency of phosphoserine phosphatase (PSPHD). Also called: Phosphoserine phosphatase deficiency; PSPH deficiency. Identifiers: Orphanet 79350, MedGen C1291463, MONDO:0013531, OMIM 614023.

Allele frequency attached by ClinVar (database versions not stated): gnomAD exomes 0.04104 and 0.00851; ExAC 0.12046; 1000 Genomes Project 30x 0.35978.

Submissions (4):

GeneDx
Classification: Benign. Last evaluated: 2021-03-31. Review status: criteria provided, single submitter. Criteria: GeneDx Variant Classification Process June 2021. Collection method: clinical testing. Allele origin: germline. Affected: yes.

Illumina Laboratory Services, Illumina
Classification: Benign for Deficiency of phosphoserine phosphatase. Last evaluated: 2018-01-13. Review status: criteria provided, single submitter. Criteria: ICSL Variant Classification Criteria 13 December 2019. Collection method: clinical testing. Allele origin: germline.
Comment: This variant was observed in the ICSL laboratory as part of a predisposition screen in an ostensibly healthy population. It had not been previously curated by ICSL or reported in the Human Gene Mutation Database (HGMD: prior to June 1st, 2018), and was therefore a candidate for classification through an automated scoring system. Utilizing variant allele frequency, disease prevalence and penetrance estimates, and inheritance mode, an automated score was calculated to assess if this variant is too frequent to cause the disease. Based on the score and internal cut-off values, a variant classified as benign is not then subjected to further curation. The score for this variant resulted in a classification of benign for this disease.

Diagnostic Laboratory, Department of Genetics, University Medical Center Groningen
Classification: Benign. Review status: no assertion criteria provided. Collection method: clinical testing. Allele origin: germline. Affected: yes. Study: VKGL Data-share Consensus. Not counted in ClinVar's aggregate classification.

Laboratory of Diagnostic Genome Analysis, Leiden University Medical Center (LUMC)
Classification: Likely benign. Review status: no assertion criteria provided. Collection method: clinical testing. Allele origin: germline. Affected: yes. Study: VKGL Data-share Consensus. Not counted in ClinVar's aggregate classification.